The following is an entry in ClinVar:

ClinVar aggregate classification (germline): Uncertain significance (1 of 4 stars; one submission).

Submission:

Labcorp Genetics (formerly Invitae), Labcorp
Classification: Uncertain significance. Last evaluated: 2023-04-09. Review status: criteria provided, single submitter. Criteria: Invitae Variant Classification Sherloc (09022015). Collection method: clinical testing. Allele origin: unknown.
Comment: In summary, the available evidence is currently insufficient to determine the role of this variant in disease. Therefore, it has been classified as a Variant of Uncertain Significance. Experimental studies and prediction algorithms are not available or were not evaluated, and the functional significance of this variant is currently unknown. A similar copy number variant has been observed in individual(s) with clinical features of COL11A1-related conditions (Invitae). This variant is a gross deletion of the genomic region encompassing exon(s) 21-24 of the COL11A1 gene. This variant would be expected to be in-frame, preserving the integrity of the reading frame.

NC_000001.10:g.(?_103467461)_(103468844_?)del

Gene: COL11A1 (collagen type XI alpha 1 chain; minus strand). Cytogenetic location: 1p21.1.
Variant type: Deletion.
Identifiers: ClinVar variation 3247920 (VCV003247920.1).